The following is an entry in ClinVar:

ClinVar aggregate classification (germline): Likely pathogenic (1 of 4 stars; one submission).

Conditions:
Neurofibromatosis, type 1 (NF1). Also called: VON RECKLINGHAUSEN DISEASE; NEUROFIBROMATOSIS, TYPE I, SOMATIC; Neurofibromatosis, type I; Peripheral type neurofibromatosis. Identifiers: Orphanet 636, MedGen C0027831, MONDO:0018975, OMIM 162200. Disease mechanism: loss of function.

Submission:

Labcorp Genetics (formerly Invitae), Labcorp
Classification: Likely pathogenic for Neurofibromatosis, type 1. Last evaluated: 2023-01-10. Review status: criteria provided, single submitter. Criteria: Invitae Variant Classification Sherloc (09022015). Collection method: clinical testing. Allele origin: germline.
Comment: This variant is not present in population databases (gnomAD no frequency). This variant results in the deletion of part of exon 9 (c.1061_1062+12del) of the NF1 gene. It is expected to disrupt RNA splicing. Variants that disrupt the donor or acceptor splice site typically lead to a loss of protein function (PMID: 16199547), and loss-of-function variants in NF1 are known to be pathogenic (PMID: 10712197, 23913538). This variant has not been reported in the literature in individuals affected with NF1-related conditions. In summary, the currently available evidence indicates that the variant is pathogenic, but additional data are needed to prove that conclusively. Therefore, this variant has been classified as Likely Pathogenic. Algorithms developed to predict the effect of sequence changes on RNA splicing suggest that this variant may disrupt the consensus splice site.

Literature cited by the submitters: PubMed 16199547; PubMed 10712197; PubMed 23913538.

NM_001042492.3(NF1):c.1061_1062+12del

Gene: NF1 (neurofibromin 1; plus strand). Cytogenetic location: 17q11.2.
Variant type: Deletion.
Coding change: c.1061_1062+12del on transcript NM_001042492.3 (MANE Select); coding-DNA position 1061 through 12 bases into the intron after coding-DNA position 1062, 14 bases deleted (AGGTAACATGCTTA).
Molecular consequence: splice donor variant.
Genome position (GRCh38, 1-based): chr17:31,200,594-31,200,607, AGGTAACATGCTTA deleted; deleting any 14 consecutive bases within chr17:31,200,590-31,200,607 gives the same sequence; the c. name uses the placement nearest the transcript's 3' end. VCF-style (leftmost placement, unchanged base first): chr17-31200589-TCTTAAGGTAACATG-T. GRCh37 (hg19) VCF-style: chr17-29527607-TCTTAAGGTAACATG-T.
Other names: c.1061_1062+12del (NM_000267.4, NM_001128147.3).
Identifiers: ClinVar variation 2827402 (VCV002827402.3), dbSNP rs2544794479, ClinGen allele CA2739267327.
Genomic context (GRCh38, chr17:31,200,589, plus strand): 5'-TTACATCAATTGGGAAGATAACTCTGTCATTTTCCTACTTGTTCAGTCCATGGTGGTTGA[TCTTAAGGTAACATG>T]CTTATTCTTTCTCTACTACAAACTTTAAGAAAATTAAATGAATTTTCTAGCATAAGTATT-3'